The following is an entry in ClinVar:

NM_000355.4(TCN2):c.1061C>G (p.Thr354Ser)

Gene: TCN2 (transcobalamin 2; plus strand). Cytogenetic location: 22q12.2.
Variant type: single nucleotide variant.
Coding change: c.1061C>G on transcript NM_000355.4 (MANE Select); coding-DNA position 1061, C replaced by G.
Protein change: p.Thr354Ser; replaces threonine 354 with serine.
Molecular consequence: missense variant.
Genome position (GRCh38, 1-based): chr22:30,617,450, C>G. VCF-style: chr22-30617450-C-G. GRCh37 (hg19) VCF-style: chr22-31013437-C-G.
Other names: c.980C>G, p.Thr327Ser (NM_001184726.2); short protein forms T327S, T354S.
Identifiers: ClinVar variation 2127009 (VCV002127009.4), dbSNP rs777423077, ClinGen allele CA10184950.
Genomic context (GRCh38, chr22:30,617,450, plus strand): 5'-TGCAGGTGCTTAGTCTCTTGCCGCCGTACAGACAGTCCATCTCTGTTCTGGCCGGGTCCA[C>G]CGTGGAAGATGTCCTGAAGAAGGCCCATGAGTTAGGAGGATTCACGTGAGACTCCCACCT-3'
Protein context (NP_000346.2, residues 344-364): RQSISVLAGS[Thr354Ser]VEDVLKKAHE

ClinVar aggregate classification (germline): Uncertain significance (1 of 4 stars; one submission).

Conditions:
Transcobalamin II deficiency (TCN2D). Also called: TC II DEFICIENCY; TCN2 DEFICIENCY; Transcolabamin II deficiency. Identifiers: Orphanet 859, MedGen C0342701, MONDO:0010149, OMIM 275350.

gnomAD v4.1: 2 of 1,614,140 alleles (0.00012%); highest among the groups gnomAD compares: Non-Finnish European, 0.00017%; no homozygotes.

Submission:

Labcorp Genetics (formerly Invitae), Labcorp
Classification: Uncertain significance for Transcobalamin II deficiency. Last evaluated: 2022-04-16. Review status: criteria provided, single submitter. Criteria: Invitae Variant Classification Sherloc (09022015). Collection method: clinical testing. Allele origin: germline.
Comment: In summary, the available evidence is currently insufficient to determine the role of this variant in disease. Therefore, it has been classified as a Variant of Uncertain Significance. Algorithms developed to predict the effect of missense changes on protein structure and function output the following: SIFT: "Tolerated"; PolyPhen-2: "Benign"; Align-GVGD: "Class C0". The serine amino acid residue is found in multiple mammalian species, which suggests that this missense change does not adversely affect protein function. This variant has not been reported in the literature in individuals affected with TCN2-related conditions. This variant is present in population databases (rs777423077, gnomAD 0.0009%). This sequence change replaces threonine, which is neutral and polar, with serine, which is neutral and polar, at codon 354 of the TCN2 protein (p.Thr354Ser).